The following is an entry in ClinVar:

NM_020911.2(PLXNA4):c.1012G>A (p.Val338Ile)

Gene: PLXNA4 (plexin A4; minus strand). Cytogenetic location: 7q32.3.
Variant type: single nucleotide variant.
Coding change: c.1012G>A on transcript NM_020911.2 (MANE Select); coding-DNA position 1012, G replaced by A.
Protein change: p.Val338Ile; replaces valine 338 with isoleucine.
Molecular consequence: missense variant.
Genome position (GRCh38, 1-based): chr7:132,507,682, C>T on the plus strand (G>A on the coding strand, the complement: PLXNA4 is on the minus strand). VCF-style: chr7-132507682-C-T. GRCh37 (hg19) VCF-style: chr7-132192441-C-T.
Other names: c.1012G>A, p.Val338Ile (NM_001105543.2, NM_001393897.1, NM_181775.4); short protein forms V338I.
Identifiers: ClinVar variation 3032254 (VCV003032254.4), dbSNP rs369281855, ClinGen allele CA4490396.

ClinVar aggregate classification (germline): Uncertain significance. Review status: criteria provided, multiple submitters, no conflicts (2 of 4 stars). 2 submissions from 2 submitters: Uncertain significance (2). Last evaluated 2026-03-20.

Conditions:
PLXNA4-related disorder. Also called: PLXNA4-related condition.

Allele frequency attached by ClinVar (database versions not stated): gnomAD 0.00007; TOPMed 0.00007; ESP Exome Variant Server 0.00008; gnomAD exomes 0.00011; ExAC 0.00012.
gnomAD v4.1: 175 of 1,614,084 alleles (0.011%); highest among the groups gnomAD compares: South Asian, 0.031%; no homozygotes.

Submissions (2):

PreventionGenetics, part of Exact Sciences
Classification: Uncertain significance for PLXNA4-related condition. Last evaluated: 2026-03-20. Review status: criteria provided, single submitter. Criteria: ACMG Guidelines, 2015. Collection method: clinical testing. Allele origin: germline.
Comment: The PLXNA4 c.1012G>A variant is predicted to result in the amino acid substitution p.Val338Ile. To our knowledge, this variant has not been reported in the literature. This variant is reported in 0.023% of alleles in individuals of South Asian descent in gnomAD. At this time, the clinical significance of this variant is uncertain due to the absence of conclusive functional and genetic evidence.

Ambry Genetics
Classification: Uncertain significance. Last evaluated: 2024-01-31. Review status: criteria provided, single submitter. Criteria: Ambry Variant Classification Scheme 2023. Collection method: clinical testing. Allele origin: germline.